The following is an entry in ClinVar:

NM_001105206.3(LAMA4):c.3007G>C (p.Val1003Leu)

Gene: LAMA4 (laminin subunit alpha 4; minus strand). Cytogenetic location: 6q21.
Variant type: single nucleotide variant.
Coding change: c.3007G>C on transcript NM_001105206.3 (MANE Select); coding-DNA position 3007, G replaced by C.
Protein change: p.Val1003Leu; replaces valine 1003 with leucine.
Molecular consequence: missense variant.
Genome position (GRCh38, 1-based): chr6:112,139,855, C>G on the plus strand (G>C on the coding strand, the complement: LAMA4 is on the minus strand). VCF-style: chr6-112139855-C-G. GRCh37 (hg19) VCF-style: chr6-112461057-C-G.
Other names: c.2986G>C, p.Val996Leu (NM_001105207.3, NM_002290.5); short protein forms V996L, V1003L.
Identifiers: ClinVar variation 4841376 (VCV004841376.1).

ClinVar aggregate classification (germline): Uncertain significance (1 of 4 stars; one submission).

Conditions:
Cardiovascular phenotype. Identifiers: MedGen CN230736.

gnomAD v4.1: 2 of 1,613,954 alleles (0.00012%); highest among the groups gnomAD compares: South Asian, 0.0022%; no homozygotes.

Submission:

Ambry Genetics
Classification: Uncertain significance for Cardiovascular phenotype. Last evaluated: 2025-12-16. Review status: criteria provided, single submitter. Criteria: Ambry Variant Classification Scheme 2023. Collection method: clinical testing. Allele origin: germline.
Comment: The p.V996L variant (also known as c.2986G>C), located in coding exon 22 of the LAMA4 gene, results from a G to C substitution at nucleotide position 2986. The valine at codon 996 is replaced by leucine, an amino acid with highly similar properties. This amino acid position is conserved. In addition, this alteration is predicted to be tolerated by in silico analysis. Based on the available evidence, the clinical significance of this variant remains unclear.